The following is an entry in ClinVar:

ClinVar aggregate classification (germline): Pathogenic/Likely pathogenic. Review status: criteria provided, multiple submitters, no conflicts (2 of 4 stars). 2 submissions from 2 submitters: Pathogenic (1); Likely pathogenic (1). Last evaluated 2023-09-11.

Conditions:
Autosomal recessive Alport syndrome (ATS2). Also called: ALPORT SYNDROME 2, AUTOSOMAL RECESSIVE; Alport syndrome type 2; COL4A4 Alport Syndrome and Thin Basement Membrane Nephropathy; COL4A3-Related Nephropathy. Identifiers: Orphanet 63, Orphanet 88919, MedGen C4746745, MONDO:0008762, OMIM 203780.

Submissions (2):

Labcorp Genetics (formerly Invitae), Labcorp
Classification: Likely pathogenic. Last evaluated: 2023-09-11. Review status: criteria provided, single submitter. Criteria: Invitae Variant Classification Sherloc (09022015). Collection method: clinical testing. Allele origin: germline.
Comment: In summary, the currently available evidence indicates that the variant is pathogenic, but additional data are needed to prove that conclusively. Therefore, this variant has been classified as Likely Pathogenic. Algorithms developed to predict the effect of sequence changes on RNA splicing suggest that this variant may disrupt the consensus splice site. This variant has not been reported in the literature in individuals affected with COL4A4-related conditions. This variant is not present in population databases (gnomAD no frequency). This sequence change affects an acceptor splice site in intron 40 of the COL4A4 gene. It is expected to disrupt RNA splicing. Variants that disrupt the donor or acceptor splice site typically lead to a loss of protein function (PMID: 16199547), and loss-of-function variants in COL4A4 are known to be pathogenic (PMID: 21196518, 24854265, 25307543).

Kasturba Medical College, Manipal, Kasturba Medical College, Manipal, Manipal Academy of Higher Education, Manipal, India
Classification: Pathogenic for Autosomal recessive Alport syndrome. Review status: criteria provided, single submitter. Criteria: ACMG Guidelines, 2015. Collection method: research. Allele origin: biparental. Inheritance: Autosomal recessive inheritance. Affected: yes. Observed: 1 homozygote.
Comment: This variant is not observed in the Gnomad database (v4.1) and in our in-house database of 3077 individuals. In-silico tools (MutationTaster and SpliceAI) predict the variant to be disease causing.

Literature cited by the submitters: PubMed 16199547 (cited by Labcorp Genetics (formerly Invitae), Labcorp); PubMed 21196518 (cited by Labcorp Genetics (formerly Invitae), Labcorp); PubMed 24854265 (cited by Labcorp Genetics (formerly Invitae), Labcorp); PubMed 25307543 (cited by Labcorp Genetics (formerly Invitae), Labcorp).

NM_000092.5(COL4A4):c.3818-1G>A

Gene: COL4A4 (collagen type IV alpha 4 chain; minus strand). Cytogenetic location: 2q36.3.
Variant type: single nucleotide variant.
Coding change: c.3818-1G>A on transcript NM_000092.5 (MANE Select); the canonical splice acceptor site of the intron before coding-DNA position 3818, G replaced by A.
Molecular consequence: splice acceptor variant.
Genome position (GRCh38, 1-based): chr2:227,030,599, C>T on the plus strand (G>A on the coding strand, the complement: COL4A4 is on the minus strand). VCF-style: chr2-227030599-C-T. GRCh37 (hg19) VCF-style: chr2-227895315-C-T.
Identifiers: ClinVar variation 2760050 (VCV002760050.4), dbSNP rs2473284144, ClinGen allele CA350837481.